The following is an entry in ClinVar:

NM_145018.4(DDIAS):c.2576C>T (p.Thr859Ile)

Gene: DDIAS (DNA damage induced apoptosis suppressor; plus strand). Cytogenetic location: 11q14.1.
Variant type: single nucleotide variant.
Coding change: c.2576C>T on transcript NM_145018.4 (MANE Select); coding-DNA position 2576, C replaced by T.
Protein change: p.Thr859Ile; replaces threonine 859 with isoleucine.
Molecular consequence: missense variant.
Genome position (GRCh38, 1-based): chr11:82,933,914, C>T. VCF-style: chr11-82933914-C-T. GRCh37 (hg19) VCF-style: chr11-82644956-C-T.
Other names: c.2576C>T, p.Thr859Ile (NM_001363481.2); short protein forms T859I.
Identifiers: ClinVar variation 4658908 (VCV004658908.1).
Genomic context (GRCh38, chr11:82,933,914, plus strand): 5'-TATCTGGTGTTTCACAACCAGACGTTTTCAATCACTACCCTTTTGCTGAGTGCCATGAAA[C>T]TGATAGTGATGAATGGGTCCCTCCTACCACACAAAAAATATTTCCTTCAGATATGCTTGG-3'
Protein context (NP_659455.3, residues 849-869): NHYPFAECHE[Thr859Ile]DSDEWVPPTT

ClinVar aggregate classification (germline): Uncertain significance (1 of 4 stars; one submission).

gnomAD v4.1: 40 of 1,613,370 alleles (0.0025%); highest among the groups gnomAD compares: Non-Finnish European, 0.0032%; no homozygotes.

Submission:

Ambry Genetics
Classification: Uncertain significance. Last evaluated: 2025-10-18. Review status: criteria provided, single submitter. Criteria: Ambry Variant Classification Scheme 2023. Collection method: clinical testing. Allele origin: germline.
Comment: The c.2576C>T (p.T859I) alteration is located in exon 6 (coding exon 4) of the DDIAS gene. This alteration results from a C to T substitution at nucleotide position 2576, causing the threonine (T) at amino acid position 859 to be replaced by an isoleucine (I). Based on data from gnomAD, the T allele has an overall frequency of 0.001% (3/250586) total alleles studied. The highest observed frequency was 0.003% (3/113448) of European (non-Finnish) alleles. Based on insufficient or conflicting evidence, the clinical significance of this alteration remains unclear.